The following is an entry in ClinVar:

NM_138295.5(PKD1L1):c.2538T>A (p.Ala846=)

Gene: PKD1L1 (polycystin 1 like 1, transient receptor potential channel interacting; minus strand). Cytogenetic location: 7p12.3.
Variant type: single nucleotide variant.
Coding change: c.2538T>A on transcript NM_138295.5 (MANE Select); coding-DNA position 2538, T replaced by A.
Protein change: p.Ala846=; no amino-acid change (alanine 846 retained).
Molecular consequence: synonymous variant.
Genome position (GRCh38, 1-based): chr7:47,890,679, A>T on the plus strand (T>A on the coding strand, the complement: PKD1L1 is on the minus strand). VCF-style: chr7-47890679-A-T. GRCh37 (hg19) VCF-style: chr7-47930277-A-T.
Other names: c.2538T>A (NM_138295.3).
Identifiers: ClinVar variation 2039473 (VCV002039473.6), dbSNP rs11975405, ClinGen allele CA4253697.
Genomic context (GRCh38, chr7:47,890,679, plus strand): 5'-CATCACAAGGAACTGATCATAGCTGTCACTGAGCCATTGTGCCTCAAAGGAAACAGTGGG[A>T]GCCGCGGCATCCAGTTGGTGTGCAGTGGAGGAGTCGAAGCAGGGATGTGCTGGGGAGCCA-3'
Protein context (NP_612152.1, residues 836-856): SSTAHQLDAA[Ala846=]PTVSFEAQWL

ClinVar aggregate classification (germline): Benign. Review status: criteria provided, single submitter (1 of 4 stars). 2 submissions from 2 submitters: Benign (1). 1 of the submissions does not count toward it. Last evaluated 2026-02-01.

Conditions:
PKD1L1-related disorder. Also called: PKD1L1-related condition.

Allele frequency attached by ClinVar (database versions not stated): gnomAD exomes 0.01120; ExAC 0.01890; 1000 Genomes Project 0.03714; 1000 Genomes Project 30x 0.04060; gnomAD 0.04644; TOPMed 0.05242; ESP Exome Variant Server 0.05536.
gnomAD v4.1: 23,731 of 1,613,912 alleles (1.5%); highest among the groups gnomAD compares: African/African-American, 14%; 825 homozygotes.

Submissions (2):

Labcorp Genetics (formerly Invitae), Labcorp
Classification: Benign. Last evaluated: 2026-02-01. Review status: criteria provided, single submitter. Criteria: Invitae Variant Classification Sherloc (09022015). Collection method: clinical testing. Allele origin: germline.

PreventionGenetics, part of Exact Sciences
Classification: Benign for PKD1L1-related condition. Last evaluated: 2019-06-17. Review status: no assertion criteria provided. Collection method: clinical testing. Allele origin: germline. Not counted in ClinVar's aggregate classification.
Comment: This variant is classified as benign based on ACMG/AMP sequence variant interpretation guidelines (Richards et al. 2015 PMID: 25741868, with internal and published modifications).